The following is an entry in ClinVar:

ClinVar aggregate classification (germline): Pathogenic (1 of 4 stars; one submission).

Conditions:
Inborn genetic diseases. Identifiers: MedGen C0950123, MeSH D030342.

Submission:

Ambry Genetics
Classification: Pathogenic for Inborn genetic diseases. Last evaluated: 2022-03-15. Review status: criteria provided, single submitter. Criteria: Ambry Variant Classification Scheme 2023. Collection method: clinical testing. Allele origin: germline.
Comment: The c.131_147del17 (p.R44Hfs*119) alteration, located in exon 3 (coding exon 2) of the KATNB1 gene, consists of a deletion of 17 nucleotides from position 131 to 147, causing a translational frameshift with a predicted alternate stop codon after 119 amino acids. This alteration is expected to result in loss of function by premature protein truncation or nonsense-mediated mRNA decay. This variant was not reported in population-based cohorts in the Genome Aggregation Database (gnomAD). Based on the available evidence, this alteration is classified as pathogenic.

NM_005886.3(KATNB1):c.131_147del (p.Arg44fs)

Gene: KATNB1 (katanin regulatory subunit B1; plus strand). Cytogenetic location: 16q21.
Variant type: Deletion.
Coding change: c.131_147del on transcript NM_005886.3 (MANE Select); coding-DNA positions 131 to 147, 17 bases deleted (GCGTCAACCTGTGGTCC).
Protein change: p.Arg44fs; shifts the reading frame from arginine 44.
Molecular consequence: frameshift variant.
Genome position (GRCh38, 1-based): chr16:57,741,777-57,741,793, GCGTCAACCTGTGGTCC deleted; deleting any 17 consecutive bases within chr16:57,741,775-57,741,793 gives the same sequence; the c. name uses the placement nearest the transcript's 3' end. VCF-style (leftmost placement, unchanged base first): chr16-57741774-GCCGCGTCAACCTGTGGT-G. GRCh37 (hg19) VCF-style: chr16-57775686-GCCGCGTCAACCTGTGGT-G.
Other names: short protein forms R44fs.
Identifiers: ClinVar variation 2344774 (VCV002344774.2), dbSNP rs2506891667, ClinGen allele CA2576011439.
Genomic context (GRCh38, chr16:57,741,774, plus strand): 5'-TGTCCTCACTGGTGCTGGGCAAAGCCTCCGGGCGGCTGCTGGCTACAGGCGGGGATGACT[GCCGCGTCAACCTGTGGT>G]CCATCAACAAGCCCAACTGCATCATGGTGAGCCCCGACAGCTGGCGGGGGGTCAGGACAA-3'